The following is an entry in ClinVar:

NM_001330260.2(SCN8A):c.56_57del (p.Pro19fs)

Genes: SCN8A (sodium voltage-gated channel alpha subunit 8; plus strand), LOC114803470 (SCN8A eExon liver enhancer; plus strand). Cytogenetic location: 12q13.13.
Variant type: Deletion.
Coding change: c.56_57del on transcript NM_001330260.2 (MANE Select); coding-DNA positions 56 to 57, 2 bases deleted (CT; older notation c.56_57delCT).
Protein change: p.Pro19fs; shifts the reading frame from proline 19.
Molecular consequence: frameshift variant.
Genome position (GRCh38, 1-based): chr12:51,662,873-51,662,874, CT deleted. VCF-style (leftmost placement, unchanged base first): chr12-51662872-CCT-C. GRCh37 (hg19) VCF-style: chr12-52056656-CCT-C.
Other names: c.56_57del, p.Pro19fs (NM_001177984.3, NM_001369788.1, NM_014191.4); c.56_57del (NM_014191.3, NM_001330260.1); short protein forms P19fs.
Identifiers: ClinVar variation 871342 (VCV000871342.44), dbSNP rs1940951167, ClinGen allele CA1139662721.

ClinVar aggregate classification (germline): Likely pathogenic. Review status: criteria provided, multiple submitters, no conflicts (2 of 4 stars). 2 submissions from 2 submitters: Likely pathogenic (2). Last evaluated 2026-10-08.

Submissions (2):

GeneDx
Classification: Likely pathogenic. Last evaluated: 2026-10-08. Review status: criteria provided, single submitter. Criteria: GeneDx Variant Classification Process June 2021. Collection method: clinical testing. Allele origin: germline.
Comment: Frameshift variant predicted to result in protein truncation or nonsense mediated decay in a gene for which loss of function is a known mechanism of disease; Not observed at significant frequency in large population cohorts (gnomAD); Has not been previously published as pathogenic or benign to our knowledge; This variant is associated with the following publications: (PMID: 26029160)

CeGaT Center for Human Genetics Tuebingen
Classification: Likely pathogenic. Last evaluated: 2019-08-01. Review status: criteria provided, single submitter. Criteria: CeGaT Center For Human Genetics Tuebingen Variant Classification Criteria Version 2. Collection method: clinical testing. Allele origin: germline. Affected: yes. Observed: 1 variant allele.